The following is an entry in ClinVar:

ClinVar aggregate classification (germline): Likely benign (1 of 4 stars; one submission).

Conditions:
SPECC1L-related disorder. Also called: SPECC1L-related condition.

gnomAD v4.1: 269 of 1,614,182 alleles (0.017%); highest among the groups gnomAD compares: Non-Finnish European, 0.021%; 1 homozygote.

Submission:

PreventionGenetics, part of Exact Sciences
Classification: Likely benign for SPECC1L-related condition. Last evaluated: 2025-02-03. Review status: criteria provided, single submitter. Criteria: ACMG Guidelines, 2015. Collection method: clinical testing. Allele origin: germline.
Comment: This variant is classified as likely benign based on ACMG/AMP sequence variant interpretation guidelines (Richards et al. 2015 PMID: 25741868, with internal and published modifications).

NM_015330.6(SPECC1L):c.2916G>A (p.Thr972=)

Genes: SPECC1L (sperm antigen with calponin homology and coiled-coil domains 1 like; plus strand), SPECC1L-ADORA2A (SPECC1L-ADORA2A readthrough (NMD candidate); plus strand). Cytogenetic location: 22q11.23.
Variant type: single nucleotide variant.
Coding change: c.2916G>A on transcript NM_015330.6 (MANE Select); coding-DNA position 2916, G replaced by A.
Protein change: p.Thr972=; no amino-acid change (threonine 972 retained).
Molecular consequence: synonymous variant. On other transcripts: non-coding transcript variant (1).
Genome position (GRCh38, 1-based): chr22:24,365,564, G>A. VCF-style: chr22-24365564-G-A. GRCh37 (hg19) VCF-style: chr22-24761532-G-A.
Other names: c.2916G>A, p.Thr972= (NM_001145468.4, NM_001254732.3); c.114G>A, p.Thr38= (NM_001254733.2).
Identifiers: ClinVar variation 4980222 (VCV004980222.1).